The following is an entry in ClinVar:

ClinVar aggregate classification (germline): Uncertain significance. Review status: criteria provided, multiple submitters, no conflicts (2 of 4 stars). 2 submissions from 2 submitters: Uncertain significance (2). Last evaluated 2024-03-23.

Conditions:
Liddle syndrome 1 (LIDLS1). Also called: PSEUDOALDOSTERONISM. Identifiers: Orphanet 526, MedGen CN031472, MONDO:0020607, OMIM 177200.
Bronchiectasis with or without elevated sweat chloride 1 (BESC1). Also called: Cystic Fibrosis-Like Syndrome. Identifiers: Orphanet 60033, MedGen C2749757, MONDO:0008887, OMIM 211400.
Pseudohypoaldosteronism, type IB2, autosomal recessive (PHA1B2). Identifiers: MedGen C5774255, MONDO:0859317, OMIM 620125.

Allele frequency attached by ClinVar (database versions not stated): ExAC 0.00004; gnomAD exomes 0.00005; gnomAD 0.00007; TOPMed 0.00011; ESP Exome Variant Server 0.00016; 1000 Genomes Project 0.00020; 1000 Genomes Project 30x 0.00031.
gnomAD v4.1: 100 of 1,612,360 alleles (0.0062%); highest among the groups gnomAD compares: Middle Eastern, 0.018%; no homozygotes.

Submissions (2):

Fulgent Genetics
Classification: Uncertain significance for Liddle syndrome 1; Bronchiectasis with or without elevated sweat chloride 1; Pseudohypoaldosteronism, type IB2, autosomal recessive. Last evaluated: 2024-03-23. Review status: criteria provided, single submitter. Criteria: ACMG Guidelines, 2015. Collection method: clinical testing. Allele origin: germline.

GeneDx
Classification: Uncertain significance. Last evaluated: 2020-01-28. Review status: criteria provided, single submitter. Criteria: GeneDx Variant Classification Process June 2021. Collection method: clinical testing. Allele origin: germline. Affected: yes.
Comment: In silico analysis, which includes protein predictors and evolutionary conservation, supports that this variant does not alter protein structure/function; Identified in a patient with hypertension in published literature, however only exon 13 of SCNN1B and exon 12 of SCNN1G were sequenced (Kamide et al., 2004); This variant is associated with the following publications: (PMID: 15198480)

NM_000336.3(SCNN1B):c.1894G>A (p.Glu632Lys)

Gene: SCNN1B (sodium channel epithelial 1 subunit beta; plus strand). Cytogenetic location: 16p12.2.
Variant type: single nucleotide variant.
Coding change: c.1894G>A on transcript NM_000336.3 (MANE Select); coding-DNA position 1894, G replaced by A.
Protein change: p.Glu632Lys; replaces glutamic acid 632 with lysine.
Molecular consequence: missense variant.
Genome position (GRCh38, 1-based): chr16:23,380,772, G>A. VCF-style: chr16-23380772-G-A. GRCh37 (hg19) VCF-style: chr16-23392093-G-A.
Other names: short protein forms E632K.
Identifiers: ClinVar variation 1303165 (VCV001303165.4), dbSNP rs140609339, ClinGen allele CA7960674.